The following continues an entry in ClinVar:

NM_000018.4(ACADVL):c.848T>C (p.Val283Ala)

Gene: ACADVL. ClinVar aggregate classification (germline): Pathogenic. Pathogenic (1).

Submissions 10 to 20 of 39:

Variantyx, Inc.
Classification: Pathogenic for Very long chain acyl-CoA dehydrogenase deficiency. Last evaluated: 2025-10-14. Review status: criteria provided, single submitter. Criteria: Variantyx Assertion Criteria 2022. Collection method: clinical testing. Allele origin: germline. Inheritance: Autosomal recessive inheritance. Affected: yes. Not counted in ClinVar's aggregate classification.
Comment: This is a nonsynonymous variant in the ACADVL gene (OMIM: 609575). Pathogenic variants in this gene have been associated with autosomal recessive very long-chain acyl-CoA dehydrogenase deficiency. The clinical symptoms reported for the source proband and for several individuals reported in the published literature are highly specific for autosomal recessive very long-chain acyl-CoA dehydrogenase deficiency, which has a limited genetic etiology (PMID: 26385305, 17999356, 20301763) (PP4_Moderate). Functional studies have shown that this variant alters ACADVL protein function (PMID: 9973285) (PS3), and multiple computational algorithms predict a deleterious effect for this variant (REVEL score: 0.905) (PP3). Moreover, the alteration lies within a known hotspot for pathogenic variants or a well-established critical functional domain of the ACADVL protein (PMID: 14517516) (PM1). This variant has a 0.1964% maximum allele frequency in non-founder control populations. Based on the current evidence, this variant is classified as pathogenic for autosomal recessive very long-chain acyl-CoA dehydrogenase deficiency.

GeneDx
Classification: Pathogenic. Last evaluated: 2025-10-06. Review status: criteria provided, single submitter. Criteria: GeneDx Variant Classification Process June 2021. Collection method: clinical testing. Allele origin: germline. Affected: yes. Not counted in ClinVar's aggregate classification.
Comment: Usually associated with a mild phenotype (PMID: 27209629, 35281659); Published functional studies demonstrate p.(V283A) is associated with approximately 20% residual enzyme activity compared to wild type (PMID: 17374501, 9973285); In silico analysis supports that this missense variant has a deleterious effect on protein structure/function; This variant is associated with the following publications: (PMID: 26937394, 27374853, 23774949, 19208414, 28755359, 29268767, 30401918, 30194637, 30609409, 37443404, 25087612, 26385305, 9973285, 21932095, 27246109, 27209629, 26927351, 20107901, 28980192, 8845838, 29926323, 31031081, 31980526, 34426522, 33986768, 32778825, 31589614, 20668464, 33726816, 16443431, 17374501, 20301763, 35281659, 35218577, 38941880, 38535124, 38532509, 37671074)

Revvity Omics, Revvity
Classification: Pathogenic for Very long chain acyl-CoA dehydrogenase deficiency. Last evaluated: 2025-07-29. Review status: criteria provided, single submitter. Criteria: ACMG Guidelines, 2015. Collection method: clinical testing. Allele origin: germline. Not counted in ClinVar's aggregate classification.

ARUP Laboratories, Molecular Genetics and Genomics, ARUP Laboratories
Classification: Pathogenic for Very long chain acyl-CoA dehydrogenase deficiency. Last evaluated: 2025-07-09. Review status: criteria provided, single submitter. Criteria: ARUP Molecular Germline Variant Investigation Process 2024. Collection method: clinical testing. Allele origin: germline. Not counted in ClinVar's aggregate classification.
Comment: The ACADVL c.848T>C; p.Val283Ala variant (rs113994167), also known as p.Val243Ala, is reported the literature in individuals affected with VLCAD deficiency (Andresen 1996) and accounts for 20% of all pathogenic alleles in VLCAD individuals identified by newborn screening (Leslie 2009). It is reported as pathogenic by multiple laboratories in ClinVar (Variation ID: 21025) and functional studies demonstrate that this variant reduces the amount of ACADVL protein produced, which causes a decrease in enzymatic activity (Andresen 1999, Goetzman 2007). Based on available information, this variant is considered to be pathogenic. References: Andresen BS et al. Clear correlation of genotype with disease phenotype in very-long-chain acyl-CoA dehydrogenase deficiency. Am J Hum Genet. 1999 Feb;64(2):479-94. PMID: 9973285. Andresen BS et al. Cloning and characterization of human very-long-chain acyl-CoA dehydrogenase cDNA, chromosomal assignment of the gene and identification in four patients of nine different mutations within the VLCAD gene. Hum Mol Genet. 1996 Apr;5(4):461-72. PMID: 8845838. Goetzman ES et al. Expression and characterization of mutations in human very long-chain acyl-CoA dehydrogenase using a prokaryotic system. Mol Genet Metab. 2007 Jun;91(2):138-47. Epub 2007 Mar 19. PMID: 17374501. Leslie ND et al. 2009 May 28 [Updated 2014 Sep 11]. In: Pagon RA, Adam MP, Ardinger HH, et al., editors. GeneReviewsÂ® [Internet]. Seattle (WA): University of Washington, Seattle; 1993-2017. PMID: 20301763.

Victorian Clinical Genetics Services, Murdoch Childrens Research Institute
Classification: Pathogenic for Very long chain acyl-CoA dehydrogenase deficiency. Last evaluated: 2025-04-09. Review status: criteria provided, single submitter. Criteria: ACMG Guidelines, 2015. Collection method: clinical testing. Allele origin: germline. Affected: yes. Not counted in ClinVar's aggregate classification.
Comment: This variant is classified as Pathogenic. Evidence in support of pathogenic classification: Variant is present in gnomAD <0.01 for a recessive condition (v4: 2564 heterozygote(s), 4 homozygote(s)); This variant has strong previous evidence of pathogenicity in unrelated individuals. This variant has been classified as pathogenic by the ClinGen ACADVL Variant Curation Expert Panel (ClinVar); This variant has moderate functional evidence supporting abnormal protein function. E. coli expression mutant constructs had approximately 20% residual enzymatic activity compared with wild type constructs (PMID: 17374501). Additional information: Variant is predicted to result in a missense amino acid change from valine to alanine; This variant is heterozygous; This gene is associated with autosomal recessive disease; Loss of function is a known mechanism of disease in this gene and is associated with VLCAD deficiency (MIM#201475); Variants in this gene are known to have variable expressivity. Clinical severity is dependent on how much residual enzyme activity remains (PMID: 31031081); Inheritance information for this variant is not currently available in this individual.

Laboratory of Genetics, Children's Clinical University Hospital Latvia
Classification: Pathogenic. Last evaluated: 2025-02-16. Review status: criteria provided, single submitter. Criteria: ACMG Guidelines, 2015. Collection method: clinical testing. Allele origin: germline. Affected: yes. Not counted in ClinVar's aggregate classification.

Blueprint Genetics
Classification: Pathogenic for ACADVL-related disorders. Last evaluated: 2024-11-25. Review status: criteria provided, single submitter. Criteria: ACMG Guidelines, 2015. Collection method: clinical testing. Allele origin: germline. Affected: yes. Observed: 5 variant alleles. Not counted in ClinVar's aggregate classification.

Baylor Genetics
Classification: Pathogenic for Very long chain acyl-CoA dehydrogenase deficiency. Last evaluated: 2024-03-30. Review status: criteria provided, single submitter. Criteria: ACMG Guidelines, 2015. Collection method: clinical testing. Allele origin: unknown. Not counted in ClinVar's aggregate classification.

Laboratory of Medical Genetics, National & Kapodistrian University of Athens
Classification: Pathogenic for Very long chain acyl-CoA dehydrogenase deficiency. Last evaluated: 2024-02-01. Review status: criteria provided, single submitter. Criteria: ACMG Guidelines, 2015. Collection method: curation. Allele origin: germline. Affected: no. Not counted in ClinVar's aggregate classification.

Clinical Genomics Laboratory, Stanford Medicine
Classification: Pathogenic for Very long chain acyl-CoA dehydrogenase deficiency. Last evaluated: 2023-01-24. Review status: criteria provided, single submitter. Criteria: ACMG Guidelines, 2015. Collection method: clinical testing. Allele origin: germline. Inheritance: Autosomal recessive inheritance. Observed: 1 variant allele, 1 heterozygote. Not counted in ClinVar's aggregate classification.
Comment: The p.Val283Ala variant in the ACADVL gene, also referred to as p.Val243Ala, has been previously reported in the homozygous or compound heterozygous state in many individuals diagnosed with VLCAD deficiency and is the most common pathogenic variant identified in the ACADVL gene (Andresen et al., 1999; Miller et al., 2015; Pena et al., 2016; Olsson et al., 2022). This variant is often associated with a milder phenotype (Spiekerkoetter et al., 2003). This variant has been identified in 289/129,106 European non-Finnish chromosomes (346/282,744 chromosomes overall) by the Genome Aggregation Database, including 2 homozygous occurrences. This variant is present in ClinVar (Accession: VCV000021025.93). This variant occurs in a structurally important region of the ACADVL protein known as the outer loop. Other pathogenic and likely pathogenic variants have been described in this region (Spiekerkoetter et al., 2003). Functional studies of the p.Val283Ala variant have demonstrated that this variant results in reduced enzyme activity (Andresen et al., 1999; D’Annibale et al., 2022). Computational tools predict that the p.Val283Ala variant is deleterious; however, the accuracy of in silico algorithms is limited. These data were assessed using the ACMG/AMP variant interpretation guidelines. In summary, there is sufficient evidence to classify the p.Val283Ala variant as pathogenic for autosomal recessive VLCAD deficiency based on the information above. [ACMG evidence codes used: PM3_Strong; PM1; PP4_Moderate; PS3_Supporting; PP3]

Clinical Genetics Laboratory, Skane University Hospital Lund
Classification: Pathogenic. Last evaluated: 2022-07-13. Review status: criteria provided, single submitter. Criteria: ACMG Guidelines, 2015. Collection method: clinical testing. Allele origin: germline. Affected: yes. Not counted in ClinVar's aggregate classification.